The following is an entry in ClinVar:

ClinVar aggregate classification (germline): Likely pathogenic (1 of 4 stars; one submission).

Conditions:
Rhabdoid tumor predisposition syndrome 2 (RTPS2). Identifiers: Orphanet 231108, Orphanet 69077, MedGen C2750074, MONDO:0013224, OMIM 613325.

Submission:

Labcorp Genetics (formerly Invitae), Labcorp
Classification: Likely pathogenic for Rhabdoid tumor predisposition syndrome 2. Last evaluated: 2022-08-09. Review status: criteria provided, single submitter. Criteria: Invitae Variant Classification Sherloc (09022015). Collection method: clinical testing. Allele origin: germline.
Comment: In summary, the currently available evidence indicates that the variant is pathogenic, but additional data are needed to prove that conclusively. Therefore, this variant has been classified as Likely Pathogenic. Algorithms developed to predict the effect of sequence changes on RNA splicing suggest that this variant may disrupt the consensus splice site. This variant has not been reported in the literature in individuals affected with SMARCA4-related conditions. This variant is not present in population databases (gnomAD no frequency). This variant results in the deletion of part of exon 17 (c.2503_2505+6del) of the SMARCA4 gene. It is expected to disrupt RNA splicing. Variants that disrupt the donor or acceptor splice site typically lead to a loss of protein function (PMID: 16199547), and loss-of-function variants in SMARCA4 are known to be pathogenic (PMID: 24658001, 24658002).

Literature cited by the submitters: PubMed 16199547; PubMed 24658001; PubMed 24658002.

NM_003072.5(SMARCA4):c.2503_2505+6del

Gene: SMARCA4 (SWI/SNF related BAF chromatin remodeling complex subunit ATPase 4; plus strand). Cytogenetic location: 19p13.2.
Variant type: Deletion.
Coding change: c.2503_2505+6del on transcript NM_003072.5 (MANE Select); coding-DNA position 2503 through 6 bases into the intron after coding-DNA position 2505, 9 bases deleted (AAGGTAGGT; older notation c.2503_2505+6delAAGGTAGGT).
Molecular consequence: splice donor variant.
Genome position (GRCh38, 1-based): chr19:11,019,021-11,019,029, AAGGTAGGT deleted. VCF-style (leftmost placement, unchanged base first): chr19-11019020-CAAGGTAGGT-C. GRCh37 (hg19) VCF-style: chr19-11129696-CAAGGTAGGT-C.
Other names: c.2503_2505+6del (NM_001128844.3, NM_001128849.3, NM_001128847.4 and 5 more transcripts).
Identifiers: ClinVar variation 2023157 (VCV002023157.4), dbSNP rs2514810724, ClinGen allele CA2580096311.